The following is an entry in ClinVar:

ClinVar aggregate classification (germline): Pathogenic (1 of 4 stars; one submission).

Conditions:
Baller-Gerold syndrome (BGS). Also called: CRANIOSYNOSTOSIS WITH RADIAL DEFECTS. Identifiers: Orphanet 1225, MedGen C0265308, MONDO:0009039, OMIM 218600.

Submission:

Labcorp Genetics (formerly Invitae), Labcorp
Classification: Pathogenic for Baller-Gerold syndrome. Last evaluated: 2022-06-27. Review status: criteria provided, single submitter. Criteria: Invitae Variant Classification Sherloc (09022015). Collection method: clinical testing. Allele origin: germline.
Comment: For these reasons, this variant has been classified as Pathogenic. This variant has not been reported in the literature in individuals affected with RECQL4-related conditions. This variant is not present in population databases (gnomAD no frequency). This sequence change creates a premature translational stop signal (p.Val155Argfs*3) in the RECQL4 gene. It is expected to result in an absent or disrupted protein product. Loss-of-function variants in RECQL4 are known to be pathogenic (PMID: 12734318, 12952869).

Literature cited by the submitters: PubMed 12734318; PubMed 12952869.

NM_004260.4(RECQL4):c.462_463insC (p.Val155fs)

Gene: RECQL4 (RecQ like helicase 4; minus strand). Cytogenetic location: 8q24.3.
Variant type: Insertion.
Coding change: c.462_463insC on transcript NM_004260.4 (MANE Select); coding-DNA positions 462 to 463, C inserted.
Protein change: p.Val155fs; shifts the reading frame from valine 155.
Molecular consequence: frameshift variant.
Genome position: GRCh38 VCF-style: chr8-144516656-C-CG. GRCh37 (hg19) VCF-style: chr8-145742040-C-CG.
Other names: short protein forms V155fs.
Identifiers: ClinVar variation 1456611 (VCV001456611.6), dbSNP rs2130728440, ClinGen allele CA2573142943.
Genomic context (GRCh38, chr8:144,516,656, plus strand): 5'-GATGCTGGAGCCGGCCTGGCCTTGGCTGGGGCTCAGGGAGCTGTGGAGGCTCATCACTGA[C>CG]TTTTTCTGCAAAGGAGGGGACAGGCCCTGTACCTGGGGGCTTTGGGGTGGATGCCTTAGA-3'